The following continues an entry in ClinVar:

NM_000059.4(BRCA2):c.4876_4877del (p.Asn1626fs)

Gene: BRCA2. ClinVar aggregate classification (germline): Pathogenic. Pathogenic (1).

Submissions 6 to 21 of 24:

Color Diagnostics, LLC DBA Color Health
Classification: Pathogenic for Hereditary cancer-predisposing syndrome. Last evaluated: 2024-07-02. Review status: criteria provided, single submitter. Criteria: ACMG Guidelines, 2015. Collection method: clinical testing. Allele origin: germline. Not counted in ClinVar's aggregate classification.
Comment: This variant deletes 2 nucleotides in exon 11 of the BRCA2 gene, creating a frameshift and premature translation stop signal. This variant is also known as 4874_4875delAA, 4877delAA, 5102delAA, and 5104delAA in the literature. This variant is expected to result in an absent or non-functional protein product. This variant has been identified in 2/249578 chromosomes in the general population by the Genome Aggregation Database (gnomAD). Loss of BRCA2 function is a known mechanism of disease. Based on the available evidence, this variant is classified as Pathogenic.

Baylor Genetics
Classification: Pathogenic for Familial cancer of breast. Last evaluated: 2024-03-17. Review status: criteria provided, single submitter. Criteria: ACMG Guidelines, 2015. Collection method: clinical testing. Allele origin: unknown. Not counted in ClinVar's aggregate classification.

Quest Diagnostics Nichols Institute San Juan Capistrano
Classification: Pathogenic. Last evaluated: 2023-06-15. Review status: criteria provided, single submitter. Criteria: Quest Diagnostics criteria. Collection method: clinical testing. Allele origin: unknown. Not counted in ClinVar's aggregate classification.
Comment: The BRCA2 c.4876_4877del (p.Asn1626Serfs*12) variant alters the translational reading frame of the BRCA2 mRNA and causes the premature termination of BRCA2 protein synthesis. This variant has been reported in the published literature in individuals affected with ovarian cancer (PMIDs: 11179017 (2001), 36169650 (2022)), breast cancer (PMIDs: 28503720 (2017), 33302456 (2020), 33113089 (2021)), prostate cancer (PMIDs: 27989354 (2017), 29915322 (2018), 30340782 (2019), 32853339 (2021)), renal cell carcinoma (PMID: 35441217 (2022)), acute lymphoblastic leukemia (ALL) (PMID: 29489754 (2018)), and colorectal cancer (PMID: 34761457 (2022)). It has been reported in individuals with breast cancer as well as in unaffected controls in a breast cancer association study (PMID: 33471991 (2021), see also LOVD). The frequency of this variant in the general population, 0.000008 (2/249578 chromosomes (Genome Aggregation Database)), is consistent with pathogenicity. Based on the available information, this variant is classified as pathogenic.

Department of Pathology and Laboratory Medicine, Sinai Health System
Classification: Pathogenic for BRCA2-related cancer predisposition. Last evaluated: 2023-05-26. Review status: criteria provided, single submitter. Criteria: ACMG Guidelines, 2015. Collection method: clinical testing. Allele origin: germline. Affected: no. Not counted in ClinVar's aggregate classification.

Mayo Clinic Laboratories, Mayo Clinic
Classification: Pathogenic. Last evaluated: 2023-01-12. Review status: criteria provided, single submitter. Criteria: ACMG Guidelines, 2015. Collection method: clinical testing. Allele origin: germline. Observed: 1 variant allele. Not counted in ClinVar's aggregate classification.
Comment: PP5, PM2, PVS1

Revvity Omics, Revvity
Classification: Pathogenic. Last evaluated: 2022-05-05. Review status: criteria provided, single submitter. Criteria: ACMG Guidelines, 2015. Collection method: clinical testing. Allele origin: germline. Not counted in ClinVar's aggregate classification.

Laboratory for Molecular Medicine, Mass General Brigham Personalized Medicine
Classification: Pathogenic for Hereditary breast ovarian cancer syndrome. Last evaluated: 2021-07-15. Review status: criteria provided, single submitter. Criteria: ACMG Guidelines, 2015. Collection method: clinical testing. Allele origin: germline. Inheritance: Autosomal dominant inheritance. Not counted in ClinVar's aggregate classification.
Comment: The p.Asn1626SerfsX12 variant in BRCA2 has been reported in >20 individuals with BRCA2-associated cancers (Risch 2001 PMID:11179017, Kote-Jarai 2011 PMID:21952622, Gonzalez-Garay 2013 PMID:24082139, Leongamornlert 2014 PMID:24556621, Meric-Bernstam 2016 PMID:26787237, Breast Cancer Information Core (BIC) database). This variant has also been identified in 0.003% (2/67992) European chromosomes by gnomAD (v3.1). This frequency is low enough to be consistent with the frequency of hereditary breast and ovarian cancer (HBOC) in the general population. This variant is predicted to cause a frameshift, which alters the protein’s amino acid sequence beginning at position 1626 and leads to a premature termination codon 12 amino acids downstream. This alteration is then predicted to lead to a truncated or absent protein. Heterozygous loss of function of the BRCA2 gene is an established disease mechanism in individuals with hereditary breast and ovarian cancer (HBOC). Additionally, this variant was classified as pathogenic on April 22, 2016 by the ClinGen-approved ENIGMA expert panel (Variant ID 37929). In summary, the p.Asn1626fs variant meets criteria to be classified as pathogenic for HBOC in an autosomal dominant manner. ACMG/AMP criteria applied: PS4, PM2_Supporting, PVS1.

Sema4
Classification: Pathogenic for Hereditary cancer-predisposing syndrome. Last evaluated: 2021-03-05. Review status: criteria provided, single submitter. Criteria: Sema4 Curation Guidelines. Collection method: curation. Allele origin: germline. Not counted in ClinVar's aggregate classification.
Comment: The BRCA2 c.4876_4877delAA (p.N1626Sfs*12) variant has been reported in heterozygosity in numerous individuals with breast, ovarian and prostate cancer, and at least 1 individual with melanoma (PMID: 11179017, 21952622, 24082139, 24556621, 26787237, 26681312, 27989354). It is also known as 5102delAA or 5104delA in the literature. This variant causes a frameshift at amino acid 1626 that results in premature termination 12 amino acids downstream. At this location, this is predicted to cause nonsense-mediated decay and result in an absent protein (loss of function). Loss of function variants in BRCA1 or BRCA2 are known to be pathogenic (PMID: 29446198). This variant was observed in 2/112998 chromosomes in the Non-Finnish European population, according to the Genome Aggregation Database (PMID: 32461654). This variant has been classified as pathogenic by a ClinGen-approved expert panel. Based on the current evidence available, this variant is interpreted as pathogenic.

GeneDx
Classification: Pathogenic. Last evaluated: 2020-07-07. Review status: criteria provided, single submitter. Criteria: GeneDx Variant Classification Process June 2021. Collection method: clinical testing. Allele origin: germline. Affected: yes. Not counted in ClinVar's aggregate classification.
Comment: Frameshift variant predicted to result in protein truncation or nonsense mediated decay in a gene for which loss-of-function is a known mechanism of disease; Not observed at a significant frequency in large population cohorts (Lek 2016); Truncating variants in this gene are considered pathogenic by a well-established clinical consortium and/or database; Also known as 5102delAA or 5104delAA; This variant is associated with the following publications: (PMID: 28503720, 24082139, 29684080, 26681312, 28087643, 30720243, 23524863, 23242139, 11179017, 24556621, 21952622, 26787237, 17148771, 21324516, 15131399, 22006311, 28008555, 30340782, 29489754, 31325073, 29915322, 27989354, 31447099)

Clinical Genetics and Genomics, Karolinska University Hospital
Classification: Pathogenic. Last evaluated: 2019-04-25. Review status: criteria provided, single submitter. Criteria: ACMG Guidelines, 2015. Collection method: clinical testing. Allele origin: germline. Affected: yes. Observed: 1 variant allele. Not counted in ClinVar's aggregate classification.

Women's Health and Genetics/Laboratory Corporation of America, LabCorp
Classification: Pathogenic for Hereditary breast ovarian cancer syndrome. Last evaluated: 2017-06-27. Review status: criteria provided, single submitter. Criteria: LabCorp Variant Classification Summary - May 2015. Collection method: clinical testing. Allele origin: germline. Not counted in ClinVar's aggregate classification.
Comment: Variant summary: The BRCA2 c.4876_4877delAA (p.Asn1626Serfs) variant (alternatively also known as 5102delAA) results in a premature termination codon, predicted to cause a truncated or absent BRCA2 protein due to nonsense mediated decay, which are commonly known mechanisms for disease. Truncations downstream of this position have been classified as pathogenic by our laboratory (e.g. p.Val1814X, p.Lys1872X, p.Cys1885X, etc.). This variant is absent in 122720 control chromosomes (including ExAC). This variant has been reported in several HBOC patients in literature and clinical databases. It has also been reported in patients with prostate cancer (Kote-Jarai_2011). In addition, several clinical diagnostic laboratories/reputable databases have classified this variant as pathogenic. Taken together, this variant is classified as pathogenic.

Molecular Genetics Laboratory, University of Michigan
Classification: Pathogenic for Breast-ovarian cancer, familial, susceptibility to, 2. Last evaluated: 2016-04-21. Review status: criteria provided, single submitter. Criteria: ACMG Guidelines, 2015. Collection method: clinical testing. Allele origin: germline. Affected: yes. Not counted in ClinVar's aggregate classification.

Consortium of Investigators of Modifiers of BRCA1/2 (CIMBA), c/o University of Cambridge
Classification: Pathogenic for Breast-ovarian cancer, familial, susceptibility to, 2. Last evaluated: 2015-10-02. Review status: criteria provided, single submitter. Criteria: CIMBA Mutation Classification guidelines May 2016. Collection method: clinical testing. Allele origin: germline. Not counted in ClinVar's aggregate classification.

CHEO Genetics Diagnostic Laboratory, Children's Hospital of Eastern Ontario
Classification: Pathogenic for Breast and/or ovarian cancer. Last evaluated: 2015-08-12. Review status: criteria provided, single submitter. Criteria: ACMG Guidelines, 2015. Collection method: clinical testing. Allele origin: germline. Study: Canadian Open Genetics Repository. Not counted in ClinVar's aggregate classification.

BRCAlab, Lund University
Classification: Pathogenic for Breast-ovarian cancer, familial, susceptibility to, 2. Last evaluated: 2020-03-02. Review status: no assertion criteria provided. Collection method: clinical testing. Allele origin: germline. Affected: yes. Not counted in ClinVar's aggregate classification.

Counsyl
Classification: Pathogenic for Breast-ovarian cancer, familial, susceptibility to, 2. Last evaluated: 2016-07-06. Review status: no assertion criteria provided. Collection method: clinical testing. Allele origin: unknown. Not counted in ClinVar's aggregate classification.